The following is an entry in ClinVar:

NC_000021.9:g.(?_45981831)_(46132572_?)del

Genes: COL6A2-DT (COL6A2 divergent transcript; minus strand), COL6A1 (collagen type VI alpha 1 chain; plus strand), COL6A2 (collagen type VI alpha 2 chain; plus strand), LOC121853033 (Sharpr-MPRA regulatory region 12001; plus strand), LOC130066866 (ATAC-STARR-seq lymphoblastoid active region 18597; plus strand). Cytogenetic location: 21q22.3.
Variant type: Deletion.
Identifiers: ClinVar variation 583695 (VCV000583695.1).

ClinVar aggregate classification (germline): Pathogenic (1 of 4 stars; one submission).

Conditions:
Bethlem myopathy 1A. Also called: Bethlem myopathy 1; MYOPATHY, BENIGN CONGENITAL, WITH CONTRACTURES; Bethlem Muscular Dystrophy. Identifiers: Orphanet 610, MedGen CN029274, MONDO:0024530, OMIM 158810.

Submission:

Labcorp Genetics (formerly Invitae), Labcorp
Classification: Pathogenic for Bethlem myopathy 1. Last evaluated: 2018-03-20. Review status: criteria provided, single submitter. Criteria: Invitae Variant Classification Sherloc (09022015). Collection method: clinical testing. Allele origin: germline.
Comment: A gross deletion of the genomic region encompassing the full coding sequence of the COL6A2 gene has been identified. The boundaries of this event are unknown as the deletion extends beyond the assayed region for this gene and therefore may encompass additional genes. A similar whole gene deletion of COL6A2 has been reported in individuals affected with congenital muscular dystrophy (PMID: 21280092, 23326386). Loss-of-function variants in COL6A2 are known to be pathogenic (PMID: 19884007, 20976770). For these reasons, this variant has been classified as Pathogenic.

Literature cited by the submitters: PubMed 21280092; PubMed 23326386.